The following is an entry in ClinVar:

NM_015192.4(PLCB1):c.1813G>T (p.Asp605Tyr)

Gene: PLCB1 (phospholipase C beta 1; plus strand). Cytogenetic location: 20p12.3.
Variant type: single nucleotide variant.
Coding change: c.1813G>T on transcript NM_015192.4 (MANE Select); coding-DNA position 1813, G replaced by T.
Protein change: p.Asp605Tyr; replaces aspartic acid 605 with tyrosine.
Molecular consequence: missense variant.
Genome position (GRCh38, 1-based): chr20:8,729,099, G>T. VCF-style: chr20-8729099-G-T. GRCh37 (hg19) VCF-style: chr20-8709746-G-T.
Other names: c.1813G>T, p.Asp605Tyr (NM_182734.3); short protein forms D605Y.
Identifiers: ClinVar variation 1395537 (VCV001395537.8), dbSNP rs2123491460, ClinGen allele CA408204462.
Genomic context (GRCh38, chr20:8,729,099, plus strand): 5'-TGATGGTCCAGATATAACAAAATGCAGCTTAGCAGGATATATCCAAAAGGAACACGTGTG[G>T]ATTCATCCAACTATATGCCTCAGCTCTTCTGGAATGCAGGTTGTCAGATGGTGGCACTTA-3'
Protein context (NP_056007.1, residues 595-615): SRIYPKGTRV[Asp605Tyr]SSNYMPQLFW

ClinVar aggregate classification (germline): Uncertain significance (1 of 4 stars; one submission).

Conditions:
Developmental and epileptic encephalopathy, 12 (DEE12). Identifiers: MedGen C3150988, MONDO:0013389, OMIM 613722.

Submission:

Labcorp Genetics (formerly Invitae), Labcorp
Classification: Uncertain significance for Developmental and epileptic encephalopathy, 12. Last evaluated: 2021-05-16. Review status: criteria provided, single submitter. Criteria: Invitae Variant Classification Sherloc (09022015). Collection method: clinical testing. Allele origin: germline.
Comment: This sequence change replaces aspartic acid with tyrosine at codon 605 of the PLCB1 protein (p.Asp605Tyr). The aspartic acid residue is highly conserved and there is a large physicochemical difference between aspartic acid and tyrosine. This variant is not present in population databases (ExAC no frequency). This variant has not been reported in the literature in individuals with PLCB1-related conditions. Advanced modeling of protein sequence and biophysical properties (such as structural, functional, and spatial information, amino acid conservation, physicochemical variation, residue mobility, and thermodynamic stability) performed at Invitae indicates that this missense variant is expected to disrupt PLCB1 protein function. In summary, the available evidence is currently insufficient to determine the role of this variant in disease. Therefore, it has been classified as a Variant of Uncertain Significance.